The following is an entry in ClinVar:

ClinVar aggregate classification (germline): Conflicting classifications of pathogenicity. Review status: criteria provided, conflicting classifications (1 of 4 stars). 2 submissions from 2 submitters: Likely pathogenic (1); Uncertain significance (1). Last evaluated 2022-06-26.

Conditions:
PRPF31-related disorder. Also called: PRPF31-related condition.

Submissions (2):

Labcorp Genetics (formerly Invitae), Labcorp
Classification: Uncertain significance. Last evaluated: 2022-06-26. Review status: criteria provided, single submitter. Criteria: Invitae Variant Classification Sherloc (09022015). Collection method: clinical testing. Allele origin: germline.
Comment: In summary, the available evidence is currently insufficient to determine the role of this variant in disease. Therefore, it has been classified as a Variant of Uncertain Significance. Algorithms developed to predict the effect of sequence changes on RNA splicing suggest that this variant may create or strengthen a splice site. Algorithms developed to predict the effect of missense changes on protein structure and function are either unavailable or do not agree on the potential impact of this missense change (SIFT: "Deleterious"; PolyPhen-2: "Probably Damaging"; Align-GVGD: "Class C15"). This variant has not been reported in the literature in individuals affected with PRPF31-related conditions. This variant is not present in population databases (gnomAD no frequency). This sequence change replaces phenylalanine, which is neutral and non-polar, with leucine, which is neutral and non-polar, at codon 380 of the PRPF31 protein (p.Phe380Leu).

Blueprint Genetics
Classification: Likely pathogenic for PRPF31-related disorders. Last evaluated: 2021-12-29. Review status: criteria provided, single submitter. Criteria: ACMG Guidelines, 2015. Collection method: clinical testing. Allele origin: germline. Affected: yes. Observed: 2 variant alleles.

NM_015629.4(PRPF31):c.1140C>G (p.Phe380Leu)

Gene: PRPF31 (pre-mRNA processing factor 31; plus strand). Cytogenetic location: 19q13.42.
Variant type: single nucleotide variant.
Coding change: c.1140C>G on transcript NM_015629.4 (MANE Select); coding-DNA position 1140, C replaced by G.
Protein change: p.Phe380Leu; replaces phenylalanine 380 with leucine.
Molecular consequence: missense variant.
Genome position (GRCh38, 1-based): chr19:54,128,371, C>G. VCF-style: chr19-54128371-C-G. GRCh37 (hg19) VCF-style: chr19-54631746-C-G.
Other names: short protein forms F380L.
Identifiers: ClinVar variation 2120751 (VCV002120751.5), dbSNP rs1411083098, ClinGen allele CA407754030.